The following is an entry in ClinVar:

ClinVar aggregate classification (germline): Uncertain significance (1 of 4 stars; one submission).

Conditions:
Inborn genetic diseases. Identifiers: MedGen C0950123, MeSH D030342.

Submission:

Ambry Genetics
Classification: Uncertain significance for Inborn genetic diseases. Last evaluated: 2022-10-22. Review status: criteria provided, single submitter. Criteria: Ambry Variant Classification Scheme 2023. Collection method: clinical testing. Allele origin: germline.
Comment: The p.A240V variant (also known as c.719C>T), located in coding exon 6 of the BUB1B gene, results from a C to T substitution at nucleotide position 719. The alanine at codon 240 is replaced by valine, an amino acid with similar properties. This amino acid position is conserved. In addition, this alteration is predicted to be tolerated by in silico analysis. Since supporting evidence is limited at this time, the clinical significance of this alteration remains unclear.

NM_001211.6(BUB1B):c.719C>T (p.Ala240Val)

Gene: BUB1B (BUB1 mitotic checkpoint serine/threonine kinase B; plus strand). Cytogenetic location: 15q15.1.
Variant type: single nucleotide variant.
Coding change: c.719C>T on transcript NM_001211.6 (MANE Select); coding-DNA position 719, C replaced by T.
Protein change: p.Ala240Val; replaces alanine 240 with valine.
Molecular consequence: missense variant.
Genome position (GRCh38, 1-based): chr15:40,183,851, C>T. VCF-style: chr15-40183851-C-T. GRCh37 (hg19) VCF-style: chr15-40476052-C-T.
Other names: short protein forms A240V.
Identifiers: ClinVar variation 1757622 (VCV001757622.2), dbSNP rs2542533637, ClinGen allele CA391683467.